The following is an entry in ClinVar:

NM_000065.5(C6):c.1361C>T (p.Ala454Val)

Gene: C6 (complement C6; minus strand). Cytogenetic location: 5p13.1.
Variant type: single nucleotide variant.
Coding change: c.1361C>T on transcript NM_000065.5 (MANE Select); coding-DNA position 1361, C replaced by T.
Protein change: p.Ala454Val; replaces alanine 454 with valine.
Molecular consequence: missense variant.
Genome position (GRCh38, 1-based): chr5:41,161,790, G>A on the plus strand (C>T on the coding strand, the complement: C6 is on the minus strand). VCF-style: chr5-41161790-G-A. GRCh37 (hg19) VCF-style: chr5-41161892-G-A.
Other names: c.1361C>T, p.Ala454Val (NM_001115131.4); short protein forms A454V.
Identifiers: ClinVar variation 1468332 (VCV001468332.6), dbSNP rs1413639130, ClinGen allele CA359598293.

ClinVar aggregate classification (germline): Uncertain significance (1 of 4 stars; one submission).

Submission:

Labcorp Genetics (formerly Invitae), Labcorp
Classification: Uncertain significance. Last evaluated: 2022-07-18. Review status: criteria provided, single submitter. Criteria: Invitae Variant Classification Sherloc (09022015). Collection method: clinical testing. Allele origin: germline.
Comment: This sequence change replaces alanine, which is neutral and non-polar, with valine, which is neutral and non-polar, at codon 454 of the C6 protein (p.Ala454Val). This variant is not present in population databases (gnomAD no frequency). This variant has not been reported in the literature in individuals affected with C6-related conditions. ClinVar contains an entry for this variant (Variation ID: 1468332). Algorithms developed to predict the effect of missense changes on protein structure and function are either unavailable or do not agree on the potential impact of this missense change (SIFT: "Deleterious"; PolyPhen-2: "Probably Damaging"; Align-GVGD: "Class C0"). In summary, the available evidence is currently insufficient to determine the role of this variant in disease. Therefore, it has been classified as a Variant of Uncertain Significance.